The following is an entry in ClinVar:

ClinVar aggregate classification (germline): Uncertain significance (1 of 4 stars; one submission).

Allele frequency attached by ClinVar (database versions not stated): TOPMed below 0.00001; gnomAD 0.00001.
gnomAD v4.1: 24 of 1,613,912 alleles (0.0015%); highest among the groups gnomAD compares: African/African-American, 0.0027%; no homozygotes.

Submission:

Labcorp Genetics (formerly Invitae), Labcorp
Classification: Uncertain significance. Last evaluated: 2024-12-02. Review status: criteria provided, single submitter. Criteria: Invitae Variant Classification Sherloc (09022015). Collection method: clinical testing. Allele origin: germline.
Comment: This sequence change replaces valine, which is neutral and non-polar, with leucine, which is neutral and non-polar, at codon 742 of the HPS3 protein (p.Val742Leu). This variant is present in population databases (no rsID available, gnomAD 0.007%). This variant has not been reported in the literature in individuals affected with HPS3-related conditions. ClinVar contains an entry for this variant (Variation ID: 2162774). Invitae Evidence Modeling of protein sequence and biophysical properties (such as structural, functional, and spatial information, amino acid conservation, physicochemical variation, residue mobility, and thermodynamic stability) indicates that this missense variant is not expected to disrupt HPS3 protein function with a negative predictive value of 80%. In summary, the available evidence is currently insufficient to determine the role of this variant in disease. Therefore, it has been classified as a Variant of Uncertain Significance.

NM_032383.5(HPS3):c.2224G>C (p.Val742Leu)

Gene: HPS3 (HPS3 biogenesis of lysosomal organelles complex 2 subunit 1; plus strand). Cytogenetic location: 3q24.
Variant type: single nucleotide variant.
Coding change: c.2224G>C on transcript NM_032383.5 (MANE Select); coding-DNA position 2224, G replaced by C.
Protein change: p.Val742Leu; replaces valine 742 with leucine.
Molecular consequence: missense variant.
Genome position (GRCh38, 1-based): chr3:149,162,265, G>C. VCF-style: chr3-149162265-G-C. GRCh37 (hg19) VCF-style: chr3-148880052-G-C.
Other names: c.1729G>C, p.Val577Leu (NM_001308258.2); short protein forms V742L, V577L.
Identifiers: ClinVar variation 2162774 (VCV002162774.2), dbSNP rs886058079, ClinGen allele CA354924080.
Genomic context (GRCh38, chr3:149,162,265, plus strand): 5'-GGACAGATTGTTCCAACCGAGCTTGCACTTCACTTGAAGGAAACTCAGCCTGGATTGCTT[G>C]TGGCTTCAGTTCTGGGCTTGCAGAAGAACAACAAAATTGGAATTGAAGAAGCAGATTCCT-3'
Protein context (NP_115759.2, residues 732-752): HLKETQPGLL[Val742Leu]ASVLGLQKNN